The following is an entry in ClinVar:

ClinVar aggregate classification (germline): Uncertain significance (1 of 4 stars; one submission).

Conditions:
EGFR-related lung cancer (EGFR). Identifiers: MedGen CN130014.

Allele frequency attached by ClinVar (database versions not stated): gnomAD exomes below 0.00001.

Submission:

Labcorp Genetics (formerly Invitae), Labcorp
Classification: Uncertain significance for EGFR-related lung cancer. Last evaluated: 2023-05-21. Review status: criteria provided, single submitter. Criteria: Invitae Variant Classification Sherloc (09022015). Collection method: clinical testing. Allele origin: germline.
Comment: This sequence change replaces methionine, which is neutral and non-polar, with valine, which is neutral and non-polar, at codon 1002 of the EGFR protein (p.Met1002Val). This variant is not present in population databases (gnomAD no frequency). This variant has not been reported in the literature in individuals affected with EGFR-related conditions. Advanced modeling of protein sequence and biophysical properties (such as structural, functional, and spatial information, amino acid conservation, physicochemical variation, residue mobility, and thermodynamic stability) performed at Invitae indicates that this missense variant is not expected to disrupt EGFR protein function. In summary, the available evidence is currently insufficient to determine the role of this variant in disease. Therefore, it has been classified as a Variant of Uncertain Significance.

NM_005228.5(EGFR):c.3004A>G (p.Met1002Val)

Gene: EGFR (epidermal growth factor receptor; plus strand). Cytogenetic location: 7p11.2.
Variant type: single nucleotide variant.
Coding change: c.3004A>G on transcript NM_005228.5 (MANE Select); coding-DNA position 3004, A replaced by G.
Protein change: p.Met1002Val; replaces methionine 1002 with valine.
Molecular consequence: missense variant.
Genome position (GRCh38, 1-based): chr7:55,201,245, A>G. VCF-style: chr7-55201245-A-G. GRCh37 (hg19) VCF-style: chr7-55268938-A-G.
Other names: c.2869A>G, p.Met957Val (NM_001346897.2, NM_001346899.2); c.3004A>G, p.Met1002Val (NM_001346898.2); c.2845A>G, p.Met949Val (NM_001346900.2); c.2203A>G, p.Met735Val (NM_001346941.2); short protein forms M735V, M1002V, M949V, M957V.
Identifiers: ClinVar variation 3020443 (VCV003020443.3), dbSNP rs1225496600, ClinGen allele CA367582453.